The following is an entry in ClinVar:

NM_000399.5(EGR2):c.1022C>G (p.Pro341Arg)

Gene: EGR2 (early growth response 2; minus strand). Cytogenetic location: 10q21.3.
Variant type: single nucleotide variant.
Coding change: c.1022C>G on transcript NM_000399.5 (MANE Select); coding-DNA position 1022, C replaced by G.
Protein change: p.Pro341Arg; replaces proline 341 with arginine.
Molecular consequence: missense variant.
Genome position (GRCh38, 1-based): chr10:62,813,616, G>C on the plus strand (C>G on the coding strand, the complement: EGR2 is on the minus strand). VCF-style: chr10-62813616-G-C. GRCh37 (hg19) VCF-style: chr10-64573376-G-C.
Other names: c.1022C>G, p.Pro341Arg (NM_001136177.3, NM_001136178.2); c.872C>G, p.Pro291Arg (NM_001136179.3, NM_001321037.2); c.1061C>G, p.Pro354Arg (NM_001410931.1); short protein forms P291R, P341R, P354R.
Identifiers: ClinVar variation 1714963 (VCV001714963.5), dbSNP rs1131691827, ClinGen allele CA377028016.

ClinVar aggregate classification (germline): Uncertain significance (1 of 4 stars; one submission).

Conditions:
Charcot-Marie-Tooth disease, type I (CMT1). Also called: Charcot-Marie-Tooth, Type 1; Charcot-Marie-Tooth disease type 1. Identifiers: Orphanet 65753, MedGen C0751036, MONDO:0019011.

Submission:

Labcorp Genetics (formerly Invitae), Labcorp
Classification: Uncertain significance for Charcot-Marie-Tooth disease, type I. Last evaluated: 2022-08-03. Review status: criteria provided, single submitter. Criteria: Invitae Variant Classification Sherloc (09022015). Collection method: clinical testing. Allele origin: germline.
Comment: In summary, the available evidence is currently insufficient to determine the role of this variant in disease. Therefore, it has been classified as a Variant of Uncertain Significance. Algorithms developed to predict the effect of missense changes on protein structure and function are either unavailable or do not agree on the potential impact of this missense change (SIFT: "Not Available"; PolyPhen-2: "Possibly Damaging"; Align-GVGD: "Not Available"). This variant has not been reported in the literature in individuals affected with EGR2-related conditions. This variant is not present in population databases (gnomAD no frequency). This sequence change replaces proline, which is neutral and non-polar, with arginine, which is basic and polar, at codon 341 of the EGR2 protein (p.Pro341Arg).